The following is an entry in ClinVar:

ClinVar aggregate classification (germline): Benign. Review status: criteria provided, multiple submitters, no conflicts (2 of 4 stars). 3 submissions from 3 submitters: Benign (2). 1 of the submissions does not count toward it. Last evaluated 2026-01-16.

Conditions:
SULT2B1-related disorder. Also called: SULT2B1-related condition.

Allele frequency attached by ClinVar (database versions not stated): ExAC 0.05893; 1000 Genomes Project 30x 0.08448; 1000 Genomes Project 0.08566; ESP Exome Variant Server 0.02507; gnomAD 0.03822 and 0.03320; TOPMed 0.03920; gnomAD exomes 0.04505 and 0.05987.
gnomAD v4.1: 71,613 of 1,608,084 alleles (4.5%); highest among the groups gnomAD compares: East Asian, 25%; 3,152 homozygotes.

Submissions (3):

Labcorp Genetics (formerly Invitae), Labcorp
Classification: Benign. Last evaluated: 2026-01-16. Review status: criteria provided, single submitter. Criteria: Invitae Variant Classification Sherloc (09022015). Collection method: clinical testing. Allele origin: germline.

Breakthrough Genomics
Classification: Benign. Review status: criteria provided, single submitter. Criteria: ACMG Guidelines, 2015. Collection method: not provided. Allele origin: germline. Inheritance: Autosomal recessive inheritance. Affected: yes.

PreventionGenetics, part of Exact Sciences
Classification: Benign for SULT2B1-related condition. Last evaluated: 2019-12-05. Review status: no assertion criteria provided. Collection method: clinical testing. Allele origin: germline. Not counted in ClinVar's aggregate classification.
Comment: This variant is classified as benign based on ACMG/AMP sequence variant interpretation guidelines (Richards et al. 2015 PMID: 25741868, with internal and published modifications).

NM_177973.2(SULT2B1):c.424-10C>T

Gene: SULT2B1 (sulfotransferase family 2B member 1; plus strand). Cytogenetic location: 19q13.33.
Variant type: single nucleotide variant.
Coding change: c.424-10C>T on transcript NM_177973.2 (MANE Select); 10 bases into the intron before coding-DNA position 424, C replaced by T.
Molecular consequence: intron variant.
Genome position (GRCh38, 1-based): chr19:48,591,599, C>T. VCF-style: chr19-48591599-C-T. GRCh37 (hg19) VCF-style: chr19-49094856-C-T.
Other names: c.379-10C>T (NM_004605.2); c.424-10C>T (NM_177973.1).
Identifiers: ClinVar variation 1601562 (VCV001601562.11), dbSNP rs3745726, ClinGen allele CA9553080.